The following is an entry in ClinVar:

NM_001122769.3(LCA5):c.429G>C (p.Gln143His)

Gene: LCA5 (lebercilin LCA5; minus strand). Cytogenetic location: 6q14.1.
Variant type: single nucleotide variant.
Coding change: c.429G>C on transcript NM_001122769.3 (MANE Select); coding-DNA position 429, G replaced by C.
Protein change: p.Gln143His; replaces glutamine 143 with histidine.
Molecular consequence: missense variant.
Genome position (GRCh38, 1-based): chr6:79,513,503, C>G on the plus strand (G>C on the coding strand, the complement: LCA5 is on the minus strand). VCF-style: chr6-79513503-C-G. GRCh37 (hg19) VCF-style: chr6-80223220-C-G.
Other names: c.429G>C, p.Gln143His (NM_181714.4); short protein forms Q143H.
Identifiers: ClinVar variation 1905107 (VCV001905107.5), dbSNP rs745343665, ClinGen allele CA364629032.

ClinVar aggregate classification (germline): Uncertain significance (1 of 4 stars; one submission).

gnomAD v4.1: 1 of 1,613,938 alleles (0.000062%); highest among the groups gnomAD compares: Non-Finnish European, 0.000085%; no homozygotes.

Submission:

Labcorp Genetics (formerly Invitae), Labcorp
Classification: Uncertain significance. Last evaluated: 2022-06-14. Review status: criteria provided, single submitter. Criteria: Invitae Variant Classification Sherloc (09022015). Collection method: clinical testing. Allele origin: germline.
Comment: In summary, the available evidence is currently insufficient to determine the role of this variant in disease. Therefore, it has been classified as a Variant of Uncertain Significance. Algorithms developed to predict the effect of missense changes on protein structure and function are either unavailable or do not agree on the potential impact of this missense change (SIFT: "Deleterious"; PolyPhen-2: "Possibly Damaging"; Align-GVGD: "Class C0"). This variant has not been reported in the literature in individuals affected with LCA5-related conditions. This variant is not present in population databases (gnomAD no frequency). This sequence change replaces glutamine, which is neutral and polar, with histidine, which is basic and polar, at codon 143 of the LCA5 protein (p.Gln143His).